The following is an entry in ClinVar:

ClinVar aggregate classification (germline): Uncertain significance. Review status: criteria provided, multiple submitters, no conflicts (2 of 4 stars). 2 submissions from 2 submitters: Uncertain significance (2). Last evaluated 2025-11-12.

Conditions:
GNE myopathy (NM). Also called: INCLUSION BODY MYOPATHY, HEREDITARY, AUTOSOMAL RECESSIVE; INCLUSION BODY MYOPATHY 2, AUTOSOMAL RECESSIVE; IBM 2; Inclusion body myopathy autosomal recessive; Inclusion body myopathy quadriceps sparing; NONAKA DISTAL MYOPATHY. Identifiers: Orphanet 602, MedGen C1853926, MONDO:0011603, OMIM 605820.
Sialuria. Also called: SIALURIA, FRENCH TYPE; Sialic Acid Storage Disease. Identifiers: Orphanet 3166, MedGen C0342853, MONDO:0010028, OMIM 269921.
Inborn genetic diseases. Identifiers: MedGen C0950123, MeSH D030342.

Submissions (2):

Ambry Genetics
Classification: Uncertain significance for Inborn genetic diseases. Last evaluated: 2025-11-12. Review status: criteria provided, single submitter. Criteria: Ambry Variant Classification Scheme 2023. Collection method: clinical testing. Allele origin: germline.

Labcorp Genetics (formerly Invitae), Labcorp
Classification: Uncertain significance for Sialuria; GNE myopathy. Last evaluated: 2022-09-28. Review status: criteria provided, single submitter. Criteria: Invitae Variant Classification Sherloc (09022015). Collection method: clinical testing. Allele origin: germline.
Comment: In summary, the available evidence is currently insufficient to determine the role of this variant in disease. Therefore, it has been classified as a Variant of Uncertain Significance. Advanced modeling of protein sequence and biophysical properties (such as structural, functional, and spatial information, amino acid conservation, physicochemical variation, residue mobility, and thermodynamic stability) performed at Invitae indicates that this missense variant is not expected to disrupt GNE protein function. This variant has not been reported in the literature in individuals affected with GNE-related conditions. This variant is not present in population databases (gnomAD no frequency). This sequence change replaces lysine, which is basic and polar, with threonine, which is neutral and polar, at codon 29 of the GNE protein (p.Lys29Thr).

NM_001128227.3(GNE):c.86A>C (p.Lys29Thr)

Gene: GNE (glucosamine (UDP-N-acetyl)-2-epimerase/N-acetylmannosamine kinase; minus strand). Cytogenetic location: 9p13.3.
Variant type: single nucleotide variant.
Coding change: c.86A>C on transcript NM_001128227.3 (MANE Plus Clinical); coding-DNA position 86, A replaced by C.
Protein change: p.Lys29Thr; replaces lysine 29 with threonine.
Molecular consequence: missense variant. On other transcripts: 5 prime UTR variant (3), intron variant (3).
Genome position (GRCh38, 1-based): chr9:36,249,363, T>G on the plus strand (A>C on the coding strand, the complement: GNE is on the minus strand). VCF-style: chr9-36249363-T-G. GRCh37 (hg19) VCF-style: chr9-36249360-T-G.
Other names: c.-8A>C (NM_001190383.3, NM_001374797.1, NM_005476.7); c.-13-2881A>C (NM_001190388.2, NM_001190384.3, NM_001374798.1); c.86A>C (NM_001128227.2); short protein forms K29T.
Identifiers: ClinVar variation 2071703 (VCV002071703.5), dbSNP rs2489811276, ClinGen allele CA373422322.